The following is an entry in ClinVar:

ClinVar aggregate classification (germline): Uncertain significance (1 of 4 stars; one submission).

Conditions:
Muscular dystrophy, congenital, with cataracts and impaired intellectual development. Also called: Congenital muscular dystrophy with cataracts and intellectual disability. Identifiers: Orphanet 662184, MedGen C4479410, MONDO:0024607, OMIM 617404.

Submission:

Medical Molecular Genetics, National Research Centre
Classification: Uncertain significance for Muscular dystrophy, congenital, with cataracts and impaired intellectual development. Last evaluated: 2026-06-01. Review status: criteria provided, single submitter. Criteria: ACMG Guidelines, 2015. Collection method: research. Allele origin: inherited. Affected: yes.
Comment: The INPP5K c.701G>C (p.Arg234Pro) variant is absent or extremely rare in population databases, supporting PM2. The affected residue is located within the highly conserved inositol polyphosphate 5-phosphatase catalytic domain, a critical functional region of the protein where missense variation is more likely to impact protein function, supporting PM1. In addition, multiple in silico prediction tools indicate a deleterious effect on protein structure and/or function, supporting PP3. However, the currently available evidence is insufficient to establish a definitive disease association; therefore, the variant is classified as a Variant of Uncertain Significance (VUS).

NM_016532.4(INPP5K):c.701G>C (p.Arg234Pro)

Gene: INPP5K (inositol polyphosphate-5-phosphatase K; minus strand). Cytogenetic location: 17p13.3.
Variant type: single nucleotide variant.
Coding change: c.701G>C on transcript NM_016532.4 (MANE Select); coding-DNA position 701, G replaced by C.
Protein change: p.Arg234Pro; replaces arginine 234 with proline.
Molecular consequence: missense variant.
Genome position (GRCh38, 1-based): chr17:1,507,055, C>G on the plus strand (G>C on the coding strand, the complement: INPP5K is on the minus strand). VCF-style: chr17-1507055-C-G. GRCh37 (hg19) VCF-style: chr17-1410349-C-G.
Other names: c.473G>C, p.Arg158Pro (NM_001135642.2, NM_130766.3); short protein forms R158P, R234P.
Identifiers: ClinVar variation 4852852 (VCV004852852.1).
Genomic context (GRCh38, chr17:1,507,055, plus strand): 5'-TTGGAGTTCCTATCAAACTTGTAGGTGGGCGGGAAGAGTAGGCGGCCCTCCTGGAACTCC[C>G]GGAGCAGCGGGTCATGTTTCTTGGCAATGCTGAGCTGCAGACAAAGTCATAGTCCCCGTC-3'
Protein context (NP_057616.2, residues 224-244): SIAKKHDPLL[Arg234Pro]EFQEGRLLFP